The following is an entry in ClinVar:

NC_000020.11:g.18507421G>C

Gene: SEC23B (SEC23 homolog B, COPII component; plus strand). Cytogenetic location: 20p11.23.
Variant type: single nucleotide variant.
Genome position: GRCh38 VCF-style: chr20-18507421-G-C. GRCh37 (hg19) VCF-style: chr20-18488065-G-C.
Identifiers: ClinVar variation 683760 (VCV000683760.17), dbSNP rs6075350, ClinGen allele CA14814617.
Genomic context (GRCh38, chr20:18,507,421, plus strand): 5'-GAGAGCTTGTAACGTGAAGCACCACCACACCTCTGTACTTCAAACTTAACCACAGAGACC[G>C]ACTCCCAAACCAGCAAGTGCGTAAGCGCCGCCGCGCTCACCACCCGCCCCGCCCCTTCCG-3'

ClinVar aggregate classification (germline): Benign/Likely benign. Review status: criteria provided, multiple submitters, no conflicts (2 of 4 stars). 4 submissions from 4 submitters: Benign (3); Likely benign (1). Last evaluated 2024-11-28.

Allele frequency attached by ClinVar (database versions not stated): gnomAD exomes 0.83333; 1000 Genomes Project 30x 0.60509; 1000 Genomes Project 0.60843; TOPMed 0.64135.

Submissions (4):

Blueprint Genetics
Classification: Likely benign. Last evaluated: 2024-11-28. Review status: criteria provided, single submitter. Criteria: ACMG Guidelines, 2015. Collection method: clinical testing. Allele origin: germline.

ARUP Laboratories, Molecular Genetics and Genomics, ARUP Laboratories
Classification: Benign. Last evaluated: 2022-08-19. Review status: criteria provided, single submitter. Criteria: ARUP Molecular Germline Variant Investigation Process 2021. Collection method: clinical testing. Allele origin: germline.

GeneDx
Classification: Benign. Last evaluated: 2018-06-14. Review status: criteria provided, single submitter. Criteria: GeneDx Variant Classification (06012015). Collection method: clinical testing. Allele origin: germline. Affected: yes.
Comment: This variant is considered likely benign or benign based on one or more of the following criteria: it is a conservative change, it occurs at a poorly conserved position in the protein, it is predicted to be benign by multiple in silico algorithms, and/or has population frequency not consistent with disease.

Breakthrough Genomics
Classification: Benign. Review status: criteria provided, single submitter. Criteria: ACMG Guidelines, 2015. Collection method: not provided. Allele origin: germline. Inheritance: Autosomal recessive inheritance. Affected: yes.